The following is an entry in ClinVar:

NM_001130969.3(NSMF):c.229G>A (p.Gly77Ser)

Gene: NSMF (NMDA receptor synaptonuclear signaling and neuronal migration factor; minus strand). Cytogenetic location: 9q34.3.
Variant type: single nucleotide variant.
Coding change: c.229G>A on transcript NM_001130969.3 (MANE Select); coding-DNA position 229, G replaced by A.
Protein change: p.Gly77Ser; replaces glycine 77 with serine.
Molecular consequence: missense variant.
Genome position (GRCh38, 1-based): chr9:137,457,806, C>T on the plus strand (G>A on the coding strand, the complement: NSMF is on the minus strand). VCF-style: chr9-137457806-C-T. GRCh37 (hg19) VCF-style: chr9-140352258-C-T.
Other names: c.229G>A, p.Gly77Ser (NM_001130970.2, NM_001130971.2, NM_001178064.2 and 1 more transcripts); short protein forms G77S.
Identifiers: ClinVar variation 1303328 (VCV001303328.3), dbSNP rs756007746, ClinGen allele CA5370583.

ClinVar aggregate classification (germline): Uncertain significance. Review status: criteria provided, multiple submitters, no conflicts (2 of 4 stars). 2 submissions from 2 submitters: Uncertain significance (2). Last evaluated 2023-12-11.

Allele frequency attached by ClinVar (database versions not stated): gnomAD 0.00001; gnomAD exomes 0.00003; ExAC 0.00006.

Submissions (2):

Ambry Genetics
Classification: Uncertain significance. Last evaluated: 2023-12-11. Review status: criteria provided, single submitter. Criteria: Ambry Variant Classification Scheme 2023. Collection method: clinical testing. Allele origin: germline.

GeneDx
Classification: Uncertain significance. Last evaluated: 2019-11-06. Review status: criteria provided, single submitter. Criteria: GeneDx Variant Classification Process June 2021. Collection method: clinical testing. Allele origin: germline. Affected: yes.
Comment: In silico analysis, which includes protein predictors and evolutionary conservation, supports that this variant does not alter protein structure/function; Splice predictors suggest this variant may impact gene splicing; however in the absence of RNA/functional studies, the actual effect of this sequence change is unknown; Has not been previously published as pathogenic or benign to our knowledge